The following is an entry in ClinVar:

ClinVar aggregate classification (germline): Likely pathogenic (1 of 4 stars; one submission).

Conditions:
Long chain 3-hydroxyacyl-CoA dehydrogenase deficiency. Also called: Deficiency of long-chain 3-hydroxyacyl-coenzyme A dehydrogenase; LCHAD Deficiency. Identifiers: Orphanet 5, MedGen C3711645, MONDO:0012173, OMIM 609016.
Mitochondrial trifunctional protein deficiency. Identifiers: Orphanet 746, MedGen C1969443, MONDO:0012172.

Submissions (2):

Labcorp Genetics (formerly Invitae), Labcorp
Classification: Likely pathogenic for Mitochondrial trifunctional protein deficiency; Long chain 3-hydroxyacyl-CoA dehydrogenase deficiency. Last evaluated: 2021-09-06. Review status: criteria provided, single submitter. Criteria: Invitae Variant Classification Sherloc (09022015). Collection method: clinical testing. Allele origin: germline.
Comment: This variant results in the deletion of part of exon 12 (c.1089-2_1089delins17) of the HADHA gene. It is expected to disrupt RNA splicing. Variants that disrupt the donor or acceptor splice site typically lead to a loss of protein function (PMID: 16199547), and loss-of-function variants in HADHA are known to be pathogenic (PMID: 7738175, 21103935, 21549624, 22459206). This variant is not present in population databases (ExAC no frequency). This variant has not been reported in the literature in individuals affected with HADHA-related conditions. Algorithms developed to predict the effect of sequence changes on RNA splicing suggest that this variant may disrupt the consensus splice site. In summary, the currently available evidence indicates that the variant is pathogenic, but additional data are needed to prove that conclusively. Therefore, this variant has been classified as Likely Pathogenic.

Dr. Peter K. Rogan Lab, Western University
No classification provided (evidence only). Condition: Thyroid cancer, nonmedullary, 1. Review status: no classification provided. Collection method: in vitro. Allele origin: not applicable. Functional consequence: skipped exon. Not counted in ClinVar's aggregate classification.

Literature cited by the submitters: PubMed 16199547 (cited by Labcorp Genetics (formerly Invitae), Labcorp); PubMed 7738175 (cited by Labcorp Genetics (formerly Invitae), Labcorp); PubMed 21103935 (cited by Labcorp Genetics (formerly Invitae), Labcorp); PubMed 21549624 (cited by Labcorp Genetics (formerly Invitae), Labcorp); PubMed 22459206 (cited by Labcorp Genetics (formerly Invitae), Labcorp).

NM_000182.5(HADHA):c.1086-2A>T

Genes: GAREM2 (GRB2 associated regulator of MAPK1 subtype 2; plus strand), HADHA (hydroxyacyl-CoA dehydrogenase trifunctional multienzyme complex subunit alpha; minus strand). Cytogenetic location: 2p23.3.
Variant type: single nucleotide variant.
Coding change: c.1086-2A>T on transcript NM_000182.5 (MANE Select); the canonical splice acceptor site of the intron before coding-DNA position 1086, A replaced by T.
Molecular consequence: splice acceptor variant.
Genome position (GRCh38, 1-based): chr2:26,204,198, T>A on the plus strand (A>T on the coding strand, the complement: HADHA is on the minus strand). VCF-style: chr2-26204198-T-A. GRCh37 (hg19) VCF-style: chr2-26427067-T-A.
Identifiers: ClinVar variation 1490688 (VCV001490688.2), dbSNP rs2147762411, ClinGen allele CA346130083.